The following is an entry in ClinVar:

ClinVar aggregate classification (germline): Likely pathogenic (1 of 4 stars; one submission).

Submission:

Labcorp Genetics (formerly Invitae), Labcorp
Classification: Likely pathogenic. Last evaluated: 2022-07-06. Review status: criteria provided, single submitter. Criteria: Invitae Variant Classification Sherloc (09022015). Collection method: clinical testing. Allele origin: germline.
Comment: In summary, the currently available evidence indicates that the variant is pathogenic, but additional data are needed to prove that conclusively. Therefore, this variant has been classified as Likely Pathogenic. Algorithms developed to predict the effect of sequence changes on RNA splicing suggest that this variant may disrupt the consensus splice site. ClinVar contains an entry for this variant (Variation ID: 1487209). This variant has not been reported in the literature in individuals affected with MTTP-related conditions. This variant is not present in population databases (gnomAD no frequency). This sequence change affects a donor splice site in intron 11 of the MTTP gene. It is expected to disrupt RNA splicing. Variants that disrupt the donor or acceptor splice site typically lead to a loss of protein function (PMID: 16199547), and loss-of-function variants in MTTP are known to be pathogenic (PMID: 8533758, 9671739).

Literature cited by the submitters: PubMed 16199547; PubMed 8533758; PubMed 9671739.

NM_001386140.1(MTTP):c.1344+2T>C

Gene: MTTP (microsomal triglyceride transfer protein; plus strand). Cytogenetic location: 4q23.
Variant type: single nucleotide variant.
Coding change: c.1344+2T>C on transcript NM_001386140.1 (MANE Select); the canonical splice donor site of the intron after coding-DNA position 1344, T replaced by C.
Molecular consequence: splice donor variant.
Genome position (GRCh38, 1-based): chr4:99,601,716, T>C. VCF-style: chr4-99601716-T-C. GRCh37 (hg19) VCF-style: chr4-100522873-T-C.
Other names: c.1095+2T>C (NM_001300785.2); c.1344+2T>C (NM_000253.4).
Identifiers: ClinVar variation 1487209 (VCV001487209.6), dbSNP rs2110225482, ClinGen allele CA357509659.